The following is an entry in ClinVar:

ClinVar aggregate classification (germline): Uncertain significance. Review status: criteria provided, multiple submitters, no conflicts (2 of 4 stars). 2 submissions from 2 submitters: Uncertain significance (2). Last evaluated 2022-06-07.

Conditions:
Inborn genetic diseases. Identifiers: MedGen C0950123, MeSH D030342.
Hereditary spastic paraplegia 57. Also called: Spastic paraplegia 57, autosomal recessive. Identifiers: Orphanet 431329, MedGen C3714897, MONDO:0014295, OMIM 615658.
Hereditary motor and sensory neuropathy, Okinawa type (HMSNO). Also called: HEREDITARY MOTOR AND SENSORY NEUROPATHY, PROXIMAL TYPE. Identifiers: Orphanet 90117, MedGen C1858338, MONDO:0011468, OMIM 604484.

Allele frequency attached by ClinVar (database versions not stated): gnomAD exomes below 0.00001.
gnomAD v4.1: 5 of 1,614,066 alleles (0.00031%); highest among the groups gnomAD compares: Non-Finnish European, 0.00042%; no homozygotes.

Submissions (2):

Ambry Genetics
Classification: Uncertain significance for Inborn genetic diseases. Last evaluated: 2022-06-07. Review status: criteria provided, single submitter. Criteria: Ambry Variant Classification Scheme 2023. Collection method: clinical testing. Allele origin: germline.

Labcorp Genetics (formerly Invitae), Labcorp
Classification: Uncertain significance for Hereditary motor and sensory neuropathy, Okinawa type; Hereditary spastic paraplegia 57. Last evaluated: 2022-03-09. Review status: criteria provided, single submitter. Criteria: Invitae Variant Classification Sherloc (09022015). Collection method: clinical testing. Allele origin: germline.
Comment: In summary, the available evidence is currently insufficient to determine the role of this variant in disease. Therefore, it has been classified as a Variant of Uncertain Significance. Algorithms developed to predict the effect of missense changes on protein structure and function output the following: SIFT: "Tolerated"; PolyPhen-2: "Benign"; Align-GVGD: "Class C0". The isoleucine amino acid residue is found in multiple mammalian species, which suggests that this missense change does not adversely affect protein function. This variant has not been reported in the literature in individuals affected with TFG-related conditions. This variant is not present in population databases (gnomAD no frequency). This sequence change replaces methionine, which is neutral and non-polar, with isoleucine, which is neutral and non-polar, at codon 371 of the TFG protein (p.Met371Ile).

NM_006070.6(TFG):c.1113G>A (p.Met371Ile)

Gene: TFG (trafficking from ER to golgi regulator; plus strand). Cytogenetic location: 3q12.2.
Variant type: single nucleotide variant.
Coding change: c.1113G>A on transcript NM_006070.6 (MANE Select); coding-DNA position 1113, G replaced by A.
Protein change: p.Met371Ile; replaces methionine 371 with isoleucine.
Molecular consequence: missense variant.
Genome position (GRCh38, 1-based): chr3:100,748,441, G>A. VCF-style: chr3-100748441-G-A. GRCh37 (hg19) VCF-style: chr3-100467285-G-A.
Other names: c.1113G>A, p.Met371Ile (NM_001007565.2, NM_001195478.2); c.1101G>A, p.Met367Ile (NM_001195479.2); short protein forms M367I, M371I.
Identifiers: ClinVar variation 1972499 (VCV001972499.6), dbSNP rs2472159354, ClinGen allele CA353854496.
Genomic context (GRCh38, chr3:100,748,441, plus strand): 5'-AAGCCAACCTGGGGCCTATCAACCAAGACCAGGTTTTACTTCACTTCCTGGAAGTACCAT[G>A]ACCCCTCCTCCAAGTGGGCCTAATCCTTATGCGCGTAACCGTCCTCCCTTTGGTCAGGGC-3'
Protein context (NP_006061.2, residues 361-381): PGFTSLPGST[Met371Ile]TPPPSGPNPY